The following is an entry in ClinVar:

NM_001035.3(RYR2):c.7855A>G (p.Lys2619Glu)

Gene: RYR2 (ryanodine receptor 2; plus strand). Cytogenetic location: 1q43.
Variant type: single nucleotide variant.
Coding change: c.7855A>G on transcript NM_001035.3 (MANE Select); coding-DNA position 7855, A replaced by G.
Protein change: p.Lys2619Glu; replaces lysine 2619 with glutamic acid.
Molecular consequence: missense variant.
Genome position (GRCh38, 1-based): chr1:237,654,304, A>G. VCF-style: chr1-237654304-A-G. GRCh37 (hg19) VCF-style: chr1-237817604-A-G.
Other names: p.K2619E:AAA>GAA; c.7855A>G, p.Lys2619Glu (LRG_402t1); short protein forms K2619E.
Identifiers: ClinVar variation 201282 (VCV000201282.2), dbSNP rs794728758, ClinGen allele CA010780.
Genomic context (GRCh38, chr1:237,654,304, plus strand): 5'-CATTGCTTTTATAATTGTTTTCCCACATAGCTGCTGACAAATCATTATGAAAGATGCTGG[A>G]AATATTACTGCCTGCCTGGAGGGTGGGGAAACTTTGGTGCTGCCTCAGAAGAAGAACTTC-3'
Protein context (NP_001026.2, residues 2609-2629): LLTNHYERCW[Lys2619Glu]YYCLPGGWGN

ClinVar aggregate classification (germline): Uncertain significance (1 of 4 stars; one submission).

Submission:

GeneDx
Classification: Uncertain significance. Last evaluated: 2016-08-26. Review status: criteria provided, single submitter. Criteria: GeneDx Variant Classification (06012015). Collection method: clinical testing. Allele origin: germline. Affected: yes.
Comment: A novel K2619E variant of uncertain significance was identified in the RYR2 gene. It has not been published as a pathogenic variant or as a benign variant to our knowledge. The K2619E variant was not observed in approximately 5,900 individuals of European and African American ancestry in the NHLBI Exome Sequencing Project, indicating it is not a common benign variant in these populations. The K2619E variant is a non-conservative amino acid substitution, which is likely to impact secondary protein structure as these residues differ in polarity, charge, size and/or other properties. This substitution occurs at a position that is conserved across species. In silico analysis predicts this variant is probably damaging to the protein structure/function. However, although another missense variant in a nearby residue (G2628E) has been reported in the Human Gene Mutation Database in association with CPVT (Stenson et al., 2014), the clinical significance of this variant is unknown. Furthermore, segregation and functional data is not available to fully assess the pathogenicity of the K2619E variant. Therefore, based on the currently available information, it is unclear whether this variant is pathogenic or rare benign.